The following is an entry in ClinVar:

NM_016343.4(CENPF):c.140C>T (p.Ala47Val)

Gene: CENPF (centromere protein F; plus strand). Cytogenetic location: 1q41.
Variant type: single nucleotide variant.
Coding change: c.140C>T on transcript NM_016343.4 (MANE Select); coding-DNA position 140, C replaced by T.
Protein change: p.Ala47Val; replaces alanine 47 with valine.
Molecular consequence: missense variant.
Genome position (GRCh38, 1-based): chr1:214,613,894, C>T. VCF-style: chr1-214613894-C-T. GRCh37 (hg19) VCF-style: chr1-214787237-C-T.
Other names: short protein forms A47V.
Identifiers: ClinVar variation 3357161 (VCV003357161.1).

ClinVar aggregate classification (germline): Uncertain significance (0 of 4 stars; one submission).

Conditions:
CENPF-related disorder. Also called: CENPF-related condition.

gnomAD v4.1: 31 of 1,610,960 alleles (0.0019%); highest among the groups gnomAD compares: African/African-American, 0.013%; 1 homozygote.

Submission:

PreventionGenetics, part of Exact Sciences
Classification: Uncertain significance for CENPF-related condition. Last evaluated: 2024-06-14. Review status: no assertion criteria provided. Collection method: clinical testing. Allele origin: germline.
Comment: The CENPF c.140C>T variant is predicted to result in the amino acid substitution p.Ala47Val. To our knowledge, this variant has not been reported in the literature. This variant is reported in 0.020% of alleles in individuals of African descent in gnomAD. At this time, the clinical significance of this variant is uncertain due to the absence of conclusive functional and genetic evidence.